The following is an entry in ClinVar:

NM_002439.5(MSH3):c.2546C>T (p.Pro849Leu)

Gene: MSH3 (mutS homolog 3; plus strand). Cytogenetic location: 5q14.1.
Variant type: single nucleotide variant.
Coding change: c.2546C>T on transcript NM_002439.5 (MANE Select); coding-DNA position 2546, C replaced by T.
Protein change: p.Pro849Leu; replaces proline 849 with leucine.
Molecular consequence: missense variant.
Genome position (GRCh38, 1-based): chr5:80,792,735, C>T. VCF-style: chr5-80792735-C-T. GRCh37 (hg19) VCF-style: chr5-80088554-C-T.
Other names: short protein forms P849L.
Identifiers: ClinVar variation 2743337 (VCV002743337.3), dbSNP rs2546786678, ClinGen allele CA360272830.
Genomic context (GRCh38, chr5:80,792,735, plus strand): 5'-TTTTTTTTTTAAGGCTATTTCCATGCCTAGTAAATTGAAACATATTTCTTTTTTGCAGAC[C>T]AACTGTACAAGAAGAAAGAAAAATTGTAATAAAAAATGGAAGGCACCCTGTGATTGATGT-3'
Protein context (NP_002430.3, residues 839-859): KVAKQGDYCR[Pro849Leu]TVQEERKIVI

ClinVar aggregate classification (germline): Uncertain significance (1 of 4 stars; one submission).

Submission:

Labcorp Genetics (formerly Invitae), Labcorp
Classification: Uncertain significance. Last evaluated: 2023-12-12. Review status: criteria provided, single submitter. Criteria: Invitae Variant Classification Sherloc (09022015). Collection method: clinical testing. Allele origin: germline.
Comment: This sequence change replaces proline, which is neutral and non-polar, with leucine, which is neutral and non-polar, at codon 849 of the MSH3 protein (p.Pro849Leu). This variant is not present in population databases (gnomAD no frequency). This variant has not been reported in the literature in individuals affected with MSH3-related conditions. An algorithm developed to predict the effect of missense changes on protein structure and function (PolyPhen-2) suggests that this variant is likely to be disruptive. In summary, the available evidence is currently insufficient to determine the role of this variant in disease. Therefore, it has been classified as a Variant of Uncertain Significance.